The following is an entry in ClinVar:

ClinVar aggregate classification (germline): Likely benign (1 of 4 stars; one submission).

Allele frequency attached by ClinVar (database versions not stated): ExAC 0.00012; 1000 Genomes Project 30x 0.00828.

Submission:

CeGaT Center for Human Genetics Tuebingen
Classification: Likely benign. Last evaluated: 2026-09-01. Review status: criteria provided, single submitter. Criteria: CeGaT Center For Human Genetics Tuebingen Variant Classification Criteria Version 2. Collection method: clinical testing. Allele origin: germline. Affected: yes. Observed: 19 variant alleles.
Comment: MUC5B: BP4, BP7

NM_002458.3(MUC5B):c.8343C>G (p.Thr2781=)

Genes: MUC5B (mucin 5B, oligomeric mucus/gel-forming; plus strand), MUC5B-AS1 (MUC5B antisense RNA 1; minus strand). Cytogenetic location: 11p15.5.
Variant type: single nucleotide variant.
Coding change: c.8343C>G on transcript NM_002458.3 (MANE Select); coding-DNA position 8343, C replaced by G.
Protein change: p.Thr2781=; no amino-acid change (threonine 2781 retained).
Molecular consequence: synonymous variant.
Genome position (GRCh38, 1-based): chr11:1,245,223, C>G. VCF-style: chr11-1245223-C-G. GRCh37 (hg19) VCF-style: chr11-1266453-C-G.
Identifiers: ClinVar variation 2641241 (VCV002641241.24), dbSNP rs769296505, ClinGen allele CA5806617.